The following is an entry in ClinVar:

NM_130837.3(OPA1):c.2155C>T (p.Gln719Ter)

Gene: OPA1 (OPA1 mitochondrial dynamin like GTPase; plus strand). Cytogenetic location: 3q29.
Variant type: single nucleotide variant.
Coding change: c.2155C>T on transcript NM_130837.3 (MANE Select); coding-DNA position 2155, C replaced by T.
Protein change: p.Gln719Ter; replaces glutamine 719 with a stop codon.
Molecular consequence: nonsense.
Genome position (GRCh38, 1-based): chr3:193,655,004, C>T. VCF-style: chr3-193655004-C-T. GRCh37 (hg19) VCF-style: chr3-193372793-C-T.
Other names: c.1621C>T, p.Gln541Ter (NM_001354663.2); c.1618C>T, p.Gln540Ter (NM_001354664.2); c.1990C>T, p.Gln664Ter (NM_015560.3); c.1882C>T, p.Gln628Ter (NM_130831.3); c.1936C>T, p.Gln646Ter (NM_130832.3); c.1993C>T, p.Gln665Ter (NM_130833.3); c.2044C>T, p.Gln682Ter (NM_130834.3); c.2047C>T, p.Gln683Ter (NM_130835.3); and 1 more; short protein forms Q646*, Q665*, Q682*, Q719*, Q701*, Q540*, Q541*, Q628*.
Identifiers: ClinVar variation 1424362 (VCV001424362.6), dbSNP rs2109139510, ClinGen allele CA355791288.
Genomic context (GRCh38, chr3:193,655,004, plus strand): 5'-ATGAATTCAGGAACTTTTAACACCACAGTGGATATCAAGCTTAAACAGTGGACTGATAAA[C>T]AACTTCCTAATAAAGCAGTAGAGGTTAGGATATAATTTAATTAAATGGGTAAGAAGCATT-3'

ClinVar aggregate classification (germline): Pathogenic (1 of 4 stars; one submission).

Submission:

Labcorp Genetics (formerly Invitae), Labcorp
Classification: Pathogenic. Last evaluated: 2021-03-08. Review status: criteria provided, single submitter. Criteria: Invitae Variant Classification Sherloc (09022015). Collection method: clinical testing. Allele origin: germline.
Comment: For these reasons, this variant has been classified as Pathogenic. This variant has not been reported in the literature in individuals with OPA1-related conditions. This variant is not present in population databases (ExAC no frequency). This sequence change creates a premature translational stop signal (p.Gln664*) in the OPA1 gene. It is expected to result in an absent or disrupted protein product. Loss-of-function variants in OPA1 are known to be pathogenic (PMID: 11440988, 20157015, 20952381, 25012220).

Literature cited by the submitters: PubMed 11440988; PubMed 20157015; PubMed 20952381; PubMed 25012220.